The following is an entry in ClinVar:

NM_000179.3(MSH6):c.1327G>A (p.Gly443Arg)

Gene: MSH6 (mutS homolog 6; plus strand). Cytogenetic location: 2p16.3.
Variant type: single nucleotide variant.
Coding change: c.1327G>A on transcript NM_000179.3 (MANE Select); coding-DNA position 1327, G replaced by A.
Protein change: p.Gly443Arg; replaces glycine 443 with arginine.
Molecular consequence: missense variant.
Genome position (GRCh38, 1-based): chr2:47,799,310, G>A. VCF-style: chr2-47799310-G-A. GRCh37 (hg19) VCF-style: chr2-48026449-G-A.
Other names: c.421G>A, p.Gly141Arg (NM_001406812.1, NM_001406814.1, NM_001406816.1 and 6 more transcripts); c.1333G>A, p.Gly445Arg (NM_001406813.1); c.1327G>A, p.Gly443Arg (NM_001406817.1, NM_001406796.1, NM_001406798.1 and 4 more transcripts); c.1030G>A, p.Gly344Arg (NM_001406818.1, NM_001406797.1, NM_001406801.1 and 10 more transcripts); c.937G>A, p.Gly313Arg (NM_001281492.2); c.1423G>A, p.Gly475Arg (NM_001406795.1, NM_001406802.1); c.802G>A, p.Gly268Arg (NM_001406799.1, NM_001406806.1, NM_001406807.1); c.1249G>A, p.Gly417Arg (NM_001406804.1); and 1 more; short protein forms G268R, G344R, G417R, G313R, G387R, G445R, G475R, G141R.
Identifiers: ClinVar variation 1770040 (VCV001770040.2), dbSNP rs2104336547, ClinGen allele CA346744489.
Genomic context (GRCh38, chr2:47,799,310, plus strand): 5'-CTTGTCATCTGTTACAAGGTGGGGAAATTTTATGAGCTGTACCACATGGATGCTCTTATT[G>A]GAGTCAGTGAACTGGGGCTGGTATTCATGAAAGGCAACTGGGCCCATTCTGGCTTTCCTG-3'
Protein context (NP_000170.1, residues 433-453): YELYHMDALI[Gly443Arg]VSELGLVFMK

ClinVar aggregate classification (germline): Uncertain significance (1 of 4 stars; one submission).

Conditions:
Hereditary cancer-predisposing syndrome. Also called: Hereditary Cancer Syndrome; Hereditary neoplastic syndrome; Neoplastic Syndromes, Hereditary; Tumor predisposition. Identifiers: Orphanet 140162, MedGen C0027672, MeSH D009386, MONDO:0015356.

Allele frequency attached by ClinVar (database versions not stated): gnomAD exomes below 0.00001.

Submission:

Ambry Genetics
Classification: Uncertain significance for Hereditary cancer-predisposing syndrome. Last evaluated: 2024-01-18. Review status: criteria provided, single submitter. Criteria: Ambry Variant Classification Scheme 2023. Collection method: clinical testing. Allele origin: germline.
Comment: The p.G443R variant (also known as c.1327G>A), located in coding exon 4 of the MSH6 gene, results from a G to A substitution at nucleotide position 1327. The glycine at codon 443 is replaced by arginine, an amino acid with dissimilar properties. This amino acid position is highly conserved in available vertebrate species. In addition, this alteration is predicted to be deleterious by in silico analysis. Since supporting evidence is limited at this time, the clinical significance of this alteration remains unclear.